The following is an entry in ClinVar:

ClinVar aggregate classification (germline): Uncertain significance (1 of 4 stars; one submission).

Conditions:
Ehlers-Danlos syndrome, classic type, 1 (EDSCL1). Also called: EHLERS-DANLOS SYNDROME, GRAVIS TYPE; EHLERS-DANLOS SYNDROME, SEVERE CLASSIC TYPE; Ehlers-Danlos syndrome, type 1; Ehlers-Danlos Syndrome, Classic Type, COL5A1-Related; EDS I. Identifiers: MedGen C0268335, MONDO:0019567, OMIM 130000.

Allele frequency attached by ClinVar (database versions not stated): gnomAD exomes below 0.00001.

Submission:

Labcorp Genetics (formerly Invitae), Labcorp
Classification: Uncertain significance for Ehlers-Danlos syndrome, classic type, 1. Last evaluated: 2021-09-08. Review status: criteria provided, single submitter. Criteria: Invitae Variant Classification Sherloc (09022015). Collection method: clinical testing. Allele origin: germline.
Comment: This sequence change replaces proline with leucine at codon 1065 of the COL5A1 protein (p.Pro1065Leu). The proline residue is highly conserved and there is a moderate physicochemical difference between proline and leucine. This variant is not present in population databases (ExAC no frequency). This variant has not been reported in the literature in individuals affected with COL5A1-related conditions. Advanced modeling of protein sequence and biophysical properties (such as structural, functional, and spatial information, amino acid conservation, physicochemical variation, residue mobility, and thermodynamic stability) performed at Invitae indicates that this missense variant is not expected to disrupt COL5A1 protein function. In summary, the available evidence is currently insufficient to determine the role of this variant in disease. Therefore, it has been classified as a Variant of Uncertain Significance.

NM_000093.5(COL5A1):c.3194C>T (p.Pro1065Leu)

Gene: COL5A1 (collagen type V alpha 1 chain; plus strand). Cytogenetic location: 9q34.3.
Variant type: single nucleotide variant.
Coding change: c.3194C>T on transcript NM_000093.5 (MANE Select); coding-DNA position 3194, C replaced by T.
Protein change: p.Pro1065Leu; replaces proline 1065 with leucine.
Molecular consequence: missense variant.
Genome position (GRCh38, 1-based): chr9:134,805,054, C>T. VCF-style: chr9-134805054-C-T. GRCh37 (hg19) VCF-style: chr9-137696900-C-T.
Other names: c.3194C>T, p.Pro1065Leu (NM_001278074.1); short protein forms P1065L.
Identifiers: ClinVar variation 1386807 (VCV001386807.6), dbSNP rs2132827329, ClinGen allele CA375450623.